The following is an entry in ClinVar:

ClinVar aggregate classification (germline): Conflicting classifications of pathogenicity. Review status: criteria provided, conflicting classifications (1 of 4 stars). 2 submissions from 2 submitters: Likely pathogenic (1); Uncertain significance (1). Last evaluated 2025-02-07.

Conditions:
Shwachman-Diamond syndrome 1 (SDS1). Also called: LIPOMATOSIS OF PANCREAS, CONGENITAL. Identifiers: MedGen C4692625, MONDO:0044204, OMIM 260400.

Submissions (2):

Broad Center for Mendelian Genomics, Broad Institute of MIT and Harvard
Classification: Uncertain significance for Shwachman-Diamond syndrome 1. Last evaluated: 2025-02-07. Review status: criteria provided, single submitter. Criteria: ACMG Guidelines, 2015. Collection method: curation. Allele origin: germline. Inheritance: Autosomal recessive inheritance.
Comment: The p.Thr102fs variant in SBDS has not been previously reported in the literature in individuals with Shwachman-Diamond syndrome, but has been identified in 0.09% (1/1088) of other chromosomes by the Genome Aggregation Database (gnomAD; dbSNP rs749048311). Data from large population studies is insufficient to assess the frequency of this variant. The presence of a known pseudogene, SBDSP1, can also impact the reliability of allele frequencies. This variant has been reported in ClinVar (Variation ID: 1325034) and has been interpreted as Likely pathogenic by PerkinElmer Genomics. This variant is predicted to cause a frameshift, which alters the protein's amino acid sequence beginning at position 102 and leads to a premature termination codon 18 amino acids downstream. This alteration is then predicted to lead to a truncated or absent protein. Loss of function of the SBDS gene is an established disease mechanism in autosomal recessive Shwachman-Diamond syndrome. In summary, the clinical significance of the p.Thr102fs variant is uncertain. AMG/AMP Criteria applied: PVS1 (Richards 2015).

Revvity Omics, Revvity
Classification: Likely pathogenic for Shwachman-Diamond syndrome 1. Last evaluated: 2021-01-08. Review status: criteria provided, single submitter. Criteria: ACMG Guidelines, 2015. Collection method: clinical testing. Allele origin: germline.

NM_016038.4(SBDS):c.305_308del (p.Thr102fs)

Gene: SBDS (SBDS ribosome maturation factor; minus strand). Cytogenetic location: 7q11.21.
Variant type: Microsatellite.
Coding change: c.305_308del on transcript NM_016038.4 (MANE Select); coding-DNA positions 305 to 308, 4 bases deleted (CACA; older notation c.305_308delCACA).
Protein change: p.Thr102fs; shifts the reading frame from threonine 102.
Molecular consequence: frameshift variant.
Genome position (GRCh38, 1-based): chr7:66,993,368-66,993,371, TGTG deleted on the plus strand (CACA on the coding strand, the reverse complement: SBDS is on the minus strand); deleting any 4 consecutive bases within chr7:66,993,368-66,993,376 gives the same sequence; the c. name uses the placement nearest the transcript's 3' end. VCF-style (leftmost placement, unchanged base first): chr7-66993367-TTGTG-T. GRCh37 (hg19) VCF-style: chr7-66458354-TTGTG-T.
Other names: NM_016038.4(SBDS):c.305_308del; p.Thr102fs; short protein forms T102fs.
Identifiers: ClinVar variation 1325034 (VCV001325034.5), dbSNP rs745661722, ClinGen allele CA575259471.